The following is an entry in ClinVar:

ClinVar aggregate classification (germline): Uncertain significance (1 of 4 stars; one submission).

Submission:

Dasa
Classification: Uncertain significance. Last evaluated: 2026-03-14. Review status: criteria provided, single submitter. Criteria: DASA Assertion Criteria. Collection method: clinical testing. Allele origin: germline.
Comment: NM_001386795.1(DTNA):c.835T>A (p.Ser279Thr) is a missense variant that results in the substitution of serine with threonine. This variant is rare in population databases. The currently available literature and clinical evidence are not sufficient to establish a definitive association between this variant and the reported condition. Therefore, this variant is classified as a variant of uncertain significance.

NM_001386795.1(DTNA):c.835T>A (p.Ser279Thr)

Gene: DTNA (dystrobrevin alpha; plus strand). Cytogenetic location: 18q12.1.
Variant type: single nucleotide variant.
Coding change: c.835T>A on transcript NM_001386795.1 (MANE Select); coding-DNA position 835, T replaced by A.
Protein change: p.Ser279Thr; replaces serine 279 with threonine.
Molecular consequence: missense variant. On other transcripts: intron variant (1), 5 prime UTR variant (2).
Genome position (GRCh38, 1-based): chr18:34,818,289, T>A. VCF-style: chr18-34818289-T-A. GRCh37 (hg19) VCF-style: chr18-32398253-T-A.
Other names: c.835T>A, p.Ser279Thr (NM_032975.4, NM_032978.7, NM_032979.5 and 34 more transcripts); c.603+6176T>A (NM_001198945.2); c.-437T>A (NM_001198942.1, NM_001198944.1); c.85T>A, p.Ser29Thr (NM_001198943.1); short protein forms S279T, S29T.
Identifiers: ClinVar variation 4883543 (VCV004883543.2).